The following is an entry in ClinVar:

NM_024577.3(SH3TC2):c.-495A>G

Genes: SH3TC2 (SH3 domain and tetratricopeptide repeats 2; minus strand), SH3TC2-DT (SH3TC2 divergent transcript; plus strand). Cytogenetic location: 5q32.
Variant type: single nucleotide variant.
Coding change: c.-495A>G on transcript NM_024577.3; 495 bases upstream of the start codon, A replaced by G.
Molecular consequence: non-coding transcript variant (on NR_122044.1).
Genome position (GRCh38, 1-based): chr5:149,063,517, T>C on the plus strand (A>G on the coding strand, the complement: SH3TC2 is on the minus strand). VCF-style: chr5-149063517-T-C. GRCh37 (hg19) VCF-style: chr5-148443080-T-C.
Identifiers: ClinVar variation 684358 (VCV000684358.3), dbSNP rs7705960, ClinGen allele CA12012633.

ClinVar aggregate classification (germline): Benign (1 of 4 stars; one submission).

Allele frequency attached by ClinVar (database versions not stated): TOPMed 0.46553; gnomAD 0.48187 and 0.48017; 1000 Genomes Project 30x 0.42083; 1000 Genomes Project 0.42592; gnomAD exomes 0.49708.

Submission:

GeneDx
Classification: Benign. Last evaluated: 2018-06-19. Review status: criteria provided, single submitter. Criteria: GeneDx Variant Classification (06012015). Collection method: clinical testing. Allele origin: germline. Affected: yes.
Comment: This variant is considered likely benign or benign based on one or more of the following criteria: it is a conservative change, it occurs at a poorly conserved position in the protein, it is predicted to be benign by multiple in silico algorithms, and/or has population frequency not consistent with disease.